The following is an entry in ClinVar:

ClinVar aggregate classification (germline): Likely pathogenic. Review status: criteria provided, multiple submitters, no conflicts (2 of 4 stars). 2 submissions from 2 submitters: Likely pathogenic (2). Last evaluated 2026-09-08.

Conditions:
Fabry disease. Also called: ALPHA-GALACTOSIDASE A DEFICIENCY; ANDERSON-FABRY DISEASE; CERAMIDE TRIHEXOSIDASE DEFICIENCY; GLA DEFICIENCY; HEREDITARY DYSTOPIC LIPIDOSIS; Angiokeratoma corporis diffusum. Identifiers: Orphanet 324, MedGen C0002986, MONDO:0010526, OMIM 301500, HP:0001071. Disease mechanism: Fabry disease is due to inactivating mutations in the X-linked GLA gene resulting in deficiency of the enzyme Alpha Galactosidase-A., loss of function.

Submissions (2):

Genomenon, Inc
Classification: Likely pathogenic for Fabry disease. Last evaluated: 2026-09-08. Review status: criteria provided, single submitter. Criteria: Genomenon Sequence Variant Interpretation Standards - Updated. Collection method: curation. Allele origin: germline. Affected: no.
Comment: GLA p.Trp95Leu (c.284G>T) is a missense variant that changes the amino acid at codon 95 from Tryptophan to Leucine. To our knowledge, this variant has not been reported in patients affected with Fabry disease in the published literature. At least one functional study has demonstrated a substantial alteration in protein function relative to the wild-type (PMID:32023956;27657681). This variant is located in a mutational hotspot and/or important functional domain. It is absent or not present at a significant frequency in gnomAD. In silico models predict that this variant is possibly or probably damaging. In conclusion, we classify GLA p.Trp95Leu (c.284G>T) as a likely pathogenic variant.

Labcorp Genetics (formerly Invitae), Labcorp
Classification: Likely pathogenic for Fabry disease. Last evaluated: 2025-09-12. Review status: criteria provided, single submitter. Criteria: Invitae Variant Classification Sherloc (09022015). Collection method: clinical testing. Allele origin: germline.
Comment: This sequence change replaces tryptophan, which is neutral and slightly polar, with leucine, which is neutral and non-polar, at codon 95 of the GLA protein (p.Trp95Leu). This variant is not present in population databases (gnomAD no frequency). This missense change has been observed in individual(s) with Fabry disease (internal data). Invitae Evidence Modeling of protein sequence and biophysical properties (such as structural, functional, and spatial information, amino acid conservation, physicochemical variation, residue mobility, and thermodynamic stability) indicates that this missense variant is expected to disrupt GLA protein function with a positive predictive value of 80%. Experimental studies have shown that this missense change affects GLA function (PMID: 23935525). This variant disrupts the p.Trp95 amino acid residue in GLA. Other variant(s) that disrupt this residue have been determined to be pathogenic (PMID: 23935525; internal data). This suggests that this residue is clinically significant, and that variants that disrupt this residue are likely to be disease-causing. In summary, the currently available evidence indicates that the variant is pathogenic, but additional data are needed to prove that conclusively. Therefore, this variant has been classified as Likely Pathogenic.

Literature cited by the submitters: PubMed 32023956 (cited by Genomenon, Inc); PubMed 27657681 (cited by Genomenon, Inc); PubMed 23935525 (cited by Labcorp Genetics (formerly Invitae), Labcorp).

NM_000169.3(GLA):c.284G>T (p.Trp95Leu)

Genes: GLA (galactosidase alpha; minus strand), RPL36A-HNRNPH2 (RPL36A-HNRNPH2 readthrough; plus strand). Cytogenetic location: Xq22.1.
Variant type: single nucleotide variant.
Coding change: c.284G>T on transcript NM_000169.3 (MANE Select); coding-DNA position 284, G replaced by T.
Protein change: p.Trp95Leu; replaces tryptophan 95 with leucine.
Molecular consequence: missense variant. On other transcripts: non-coding transcript variant (3), intron variant (2).
Genome position (GRCh38, 1-based): chrX:101,403,896, C>A on the plus strand (G>T on the coding strand, the complement: GLA is on the minus strand). VCF-style: chrX-101403896-C-A. GRCh37 (hg19) VCF-style: chrX-100658884-C-A.
Other names: c.407G>T, p.Trp136Leu (NM_001406747.1, NM_001406749.1); c.284G>T, p.Trp95Leu (NM_001406748.1); c.301-8040C>A (NM_001199973.2); c.178-8040C>A (NM_001199974.2); short protein forms W136L, W95L.
Identifiers: ClinVar variation 4087329 (VCV004087329.3).